The following is an entry in ClinVar:

NM_003136.4(SRP54):c.556A>G (p.Ile186Val)

Gene: SRP54 (signal recognition particle 54; plus strand). Cytogenetic location: 14q13.2.
Variant type: single nucleotide variant.
Coding change: c.556A>G on transcript NM_003136.4 (MANE Select); coding-DNA position 556, A replaced by G.
Protein change: p.Ile186Val; replaces isoleucine 186 with valine.
Molecular consequence: missense variant.
Genome position (GRCh38, 1-based): chr14:35,011,579, A>G. VCF-style: chr14-35011579-A-G. GRCh37 (hg19) VCF-style: chr14-35480785-A-G.
Other names: c.409A>G, p.Ile137Val (NM_001146282.2); c.556A>G, p.Ile186Val (NM_001411017.1); short protein forms I137V, I186V.
Identifiers: ClinVar variation 1804316 (VCV001804316.1), dbSNP rs1011890852, ClinGen allele CA258817332.
Genomic context (GRCh38, chr14:35,011,579, plus strand): 5'-ATGGATCCTGTCATCATTGCTTCTGAAGGAGTAGAGAAATTTAAAAATGAAAATTTTGAA[A>G]TTATTATTGTTGATACAAGTGGCCGCCACAAACAAGAAGACTCTTTGTTTGAAGAAATGC-3'
Protein context (NP_003127.1, residues 176-196): VEKFKNENFE[Ile186Val]IIVDTSGRHK

ClinVar aggregate classification (germline): Uncertain significance (1 of 4 stars; one submission).

Allele frequency attached by ClinVar (database versions not stated): gnomAD 0.00001; gnomAD exomes 0.00001; TOPMed 0.00001.
gnomAD v4.1: 13 of 1,587,040 alleles (0.00082%); highest among the groups gnomAD compares: Non-Finnish European, 0.0011%; no homozygotes.

Submission:

GeneDx
Classification: Uncertain significance. Last evaluated: 2022-06-14. Review status: criteria provided, single submitter. Criteria: GeneDx Variant Classification Process June 2021. Collection method: clinical testing. Allele origin: germline. Affected: yes.
Comment: Not observed at significant frequency in large population cohorts (gnomAD); In silico analysis supports that this missense variant does not alter protein structure/function; Has not been previously published as pathogenic or benign to our knowledge